The following is an entry in ClinVar:

NM_020366.4(RPGRIP1):c.1573A>G (p.Met525Val)

Gene: RPGRIP1 (RPGR interacting protein 1; plus strand). Cytogenetic location: 14q11.2.
Variant type: single nucleotide variant.
Coding change: c.1573A>G on transcript NM_020366.4 (MANE Select); coding-DNA position 1573, A replaced by G.
Protein change: p.Met525Val; replaces methionine 525 with valine.
Molecular consequence: missense variant. On other transcripts: initiator codon variant (1).
Genome position (GRCh38, 1-based): chr14:21,321,364, A>G. VCF-style: chr14-21321364-A-G. GRCh37 (hg19) VCF-style: chr14-21789523-A-G.
Other names: c.499A>G, p.Met167Val (NM_001377523.1, NM_001377948.1, NM_001377949.1 and 1 more transcripts); c.1A>G, p.Met1Val (NM_001377951.1); short protein forms M525V, M167V, M1V.
Identifiers: ClinVar variation 1983840 (VCV001983840.4), dbSNP rs1337635928, ClinGen allele CA388865451.
Genomic context (GRCh38, chr14:21,321,364, plus strand): 5'-CTAAATGAGTTGCAAGTATCACACGCAGAGACCACATTGGAACTAGAAAAGACCAGGGAC[A>G]TGCTTATTCTGCAGCGCAAAATCAACGTGTGTTATCAGGTGCAAGGAAAGATGGTACAGG-3'
Protein context (NP_065099.3, residues 515-535): TTLELEKTRD[Met525Val]LILQRKINVC

ClinVar aggregate classification (germline): Uncertain significance. Review status: criteria provided, multiple submitters, no conflicts (2 of 4 stars). 2 submissions from 2 submitters: Uncertain significance (2). Last evaluated 2024-09-17.

Conditions:
Cone-rod dystrophy 13 (CORD13). Identifiers: Orphanet 1872, MedGen C2750720, MONDO:0011987, OMIM 608194.
Leber congenital amaurosis 6 (LCA6). Identifiers: Orphanet 65, MedGen C1854260, MONDO:0013446, OMIM 613826.

Allele frequency attached by ClinVar (database versions not stated): TOPMed below 0.00001; gnomAD 0.00001.
gnomAD v4.1: 9 of 1,613,306 alleles (0.00056%); highest among the groups gnomAD compares: Middle Eastern, 0.033%; no homozygotes.

Submissions (2):

Blueprint Genetics
Classification: Uncertain significance. Last evaluated: 2024-09-17. Review status: criteria provided, single submitter. Criteria: ACMG Guidelines, 2015. Collection method: clinical testing. Allele origin: germline.

Labcorp Genetics (formerly Invitae), Labcorp
Classification: Uncertain significance for Leber congenital amaurosis 6; Cone-rod dystrophy 13. Last evaluated: 2022-02-25. Review status: criteria provided, single submitter. Criteria: Invitae Variant Classification Sherloc (09022015). Collection method: clinical testing. Allele origin: germline.
Comment: In summary, the available evidence is currently insufficient to determine the role of this variant in disease. Therefore, it has been classified as a Variant of Uncertain Significance. Algorithms developed to predict the effect of missense changes on protein structure and function are either unavailable or do not agree on the potential impact of this missense change (SIFT: "Deleterious"; PolyPhen-2: "Probably Damaging"; Align-GVGD: "Class C0"). This variant has not been reported in the literature in individuals affected with RPGRIP1-related conditions. This variant is present in population databases (no rsID available, gnomAD 0.003%). This sequence change replaces methionine, which is neutral and non-polar, with valine, which is neutral and non-polar, at codon 525 of the RPGRIP1 protein (p.Met525Val).